The following is an entry in ClinVar:

NM_147127.5(EVC2):c.142_151del (p.Asp49fs)

Gene: EVC2 (EvC ciliary complex subunit 2; minus strand). Cytogenetic location: 4p16.2.
Variant type: Deletion.
Coding change: c.142_151del on transcript NM_147127.5 (MANE Select); coding-DNA positions 142 to 151, 10 bases deleted (CGGGATCCCC; older notation c.142_151delCGGGATCCCC).
Protein change: p.Asp49fs; shifts the reading frame from aspartic acid 49.
Molecular consequence: frameshift variant. On other transcripts: intron variant (1).
Genome position (GRCh38, 1-based): chr4:5,708,363-5,708,372, GGGGATCCCG deleted on the plus strand (CGGGATCCCC on the coding strand, the reverse complement: EVC2 is on the minus strand); deleting any 10 consecutive bases within chr4:5,708,363-5,708,375 gives the same sequence; the c. name uses the placement nearest the transcript's 3' end. VCF-style (leftmost placement, unchanged base first): chr4-5708362-TGGGGATCCCG-T. GRCh37 (hg19) VCF-style: chr4-5710089-TGGGGATCCCG-T.
Other names: c.142_151delCGGGATCCCC (NM_147127.4); c.142_151del (NM_147127.4); c.-13+457_-13+466del (NM_001166136.2); short protein forms D49fs.
Identifiers: ClinVar variation 550552 (VCV000550552.10), dbSNP rs1221185345, ClinGen allele CA549402220.

ClinVar aggregate classification (germline): Pathogenic. Review status: criteria provided, single submitter (1 of 4 stars). 2 submissions from 2 submitters: Pathogenic (1). 1 of the submissions does not count toward it. Last evaluated 2019-08-23.

Conditions:
Ellis-van Creveld syndrome (EVC). Also called: MESOECTODERMAL DYSPLASIA; EVC-Related Ellis-van Creveld Syndrome; EVC2-Related Ellis-van Creveld Syndrome; Chondroectodermal dysplasia. Identifiers: Orphanet 289, MedGen C0013903, MONDO:0009162, OMIM 225500.
Curry-Hall syndrome (WAD). Also called: WEYERS ACRODENTAL DYSOSTOSIS. Identifiers: Orphanet 952, MedGen C0457013, MONDO:0008673, OMIM 193530.

Submissions (2):

Labcorp Genetics (formerly Invitae), Labcorp
Classification: Pathogenic for Curry-Hall syndrome; Ellis-van Creveld syndrome. Last evaluated: 2019-08-23. Review status: criteria provided, single submitter. Criteria: Invitae Variant Classification Sherloc (09022015). Collection method: clinical testing. Allele origin: germline.
Comment: This sequence change creates a premature translational stop signal (p.Asp49Trpfs*9) in the EVC2 gene. It is expected to result in an absent or disrupted protein product. For these reasons, this variant has been classified as Pathogenic. Loss-of-function variants in EVC2 are known to be pathogenic (PMID: 17024374, 19810119, 19876929). This variant has not been reported in the literature in individuals with EVC2-related disease. While this variant is not present in population databases, the frequency information is unreliable, as metrics indicate poor data quality at this position in the ExAC database.

Counsyl
Classification: Likely pathogenic for Ellis-van Creveld syndrome. Last evaluated: 2017-01-31. Review status: no assertion criteria provided. Collection method: clinical testing. Allele origin: unknown. Not counted in ClinVar's aggregate classification.

Literature cited by the submitters: PubMed 17024374 (cited by Labcorp Genetics (formerly Invitae), Labcorp); PubMed 19810119 (cited by Labcorp Genetics (formerly Invitae), Labcorp); PubMed 19876929 (cited by Labcorp Genetics (formerly Invitae), Labcorp).